The following is an entry in ClinVar:

ClinVar aggregate classification (germline): Uncertain significance (1 of 4 stars; one submission).

Conditions:
Familial thoracic aortic aneurysm and aortic dissection (TAAD). Also called: Thoracic aortic aneurysms and dissections. Identifiers: Orphanet 91387, MedGen C4707243, MONDO:0019625.

gnomAD v4.1: 6 of 1,583,444 alleles (0.00038%); highest among the groups gnomAD compares: Admixed American, 0.01%; no homozygotes.

Submission:

Ambry Genetics
Classification: Uncertain significance for Familial thoracic aortic aneurysm and aortic dissection. Last evaluated: 2024-05-25. Review status: criteria provided, single submitter. Criteria: Ambry Variant Classification Scheme 2023. Collection method: clinical testing. Allele origin: germline.
Comment: The p.H2R variant (also known as c.5A>G), located in coding exon 1 of the TGFB2 gene, results from an A to G substitution at nucleotide position 5. The histidine at codon 2 is replaced by arginine, an amino acid with highly similar properties. This amino acid position is conserved. In addition, this alteration is predicted to be tolerated by in silico analysis. Based on the available evidence, the clinical significance of this variant remains unclear.

NM_003238.6(TGFB2):c.5A>G (p.His2Arg)

Gene: TGFB2 (transforming growth factor beta 2; plus strand). Cytogenetic location: 1q41.
Variant type: single nucleotide variant.
Coding change: c.5A>G on transcript NM_003238.6 (MANE Select); coding-DNA position 5, A replaced by G.
Protein change: p.His2Arg; replaces histidine 2 with arginine.
Molecular consequence: missense variant. On other transcripts: non-coding transcript variant (2).
Genome position (GRCh38, 1-based): chr1:218,346,706, A>G. VCF-style: chr1-218346706-A-G. GRCh37 (hg19) VCF-style: chr1-218520048-A-G.
Other names: c.5A>G, p.His2Arg (NM_001135599.4); short protein forms H2R.
Identifiers: ClinVar variation 3325695 (VCV003325695.1).